The following is an entry in ClinVar:

ClinVar aggregate classification (germline): Likely benign (1 of 4 stars; one submission).

Allele frequency attached by ClinVar (database versions not stated): gnomAD 0.00001; 1000 Genomes Project 30x 0.00016; 1000 Genomes Project 0.00020.

Submission:

GeneDx
Classification: Likely benign. Last evaluated: 2016-07-20. Review status: criteria provided, single submitter. Criteria: GeneDx Variant Classification (06012015). Collection method: clinical testing. Allele origin: germline. Affected: yes.
Comment: This variant is considered likely benign or benign based on one or more of the following criteria: it is a conservative change, it occurs at a poorly conserved position in the protein, it is predicted to be benign by multiple in silico algorithms, and/or has population frequency not consistent with disease.

NM_201384.3(PLEC):c.8730G>A (p.Val2910=)

Gene: PLEC (plectin; minus strand). Cytogenetic location: 8q24.3.
Variant type: single nucleotide variant.
Coding change: c.8730G>A on transcript NM_201384.3 (MANE Select); coding-DNA position 8730, G replaced by A.
Protein change: p.Val2910=; no amino-acid change (valine 2910 retained).
Molecular consequence: synonymous variant.
Genome position (GRCh38, 1-based): chr8:143,921,091, C>T on the plus strand (G>A on the coding strand, the complement: PLEC is on the minus strand). VCF-style: chr8-143921091-C-T. GRCh37 (hg19) VCF-style: chr8-144995259-C-T.
Other names: c.8811G>A, p.Val2937= (NM_000445.5); c.8688G>A, p.Val2896= (NM_201378.4); c.8664G>A, p.Val2888= (NM_201379.3); c.9141G>A, p.Val3047= (NM_201380.4); c.8634G>A, p.Val2878= (NM_201381.3); c.8730G>A, p.Val2910= (NM_201382.4); c.8742G>A, p.Val2914= (NM_201383.3).
Identifiers: ClinVar variation 387409 (VCV000387409.1), dbSNP rs576988252, ClinGen allele CA16606009.